The following is an entry in ClinVar:

ClinVar aggregate classification (germline): Pathogenic. Review status: criteria provided, multiple submitters, no conflicts (2 of 4 stars). 3 submissions from 3 submitters: Pathogenic (3). Last evaluated 2025-01-03.

Conditions:
Recessive dystrophic epidermolysis bullosa (RDEB). Also called: DYSTROPHIC EPIDERMOLYSIS BULLOSA, AUTOSOMAL RECESSIVE; EPIDERMOLYSIS BULLOSA DYSTROPHICA, HALLOPEAU-SIEMENS TYPE; EPIDERMOLYSIS BULLOSA DYSTROPHICA, GENERALIZED SEVERE, AUTOSOMAL RECESSIVE; Epidermolysis Bullosa Distrophica Autosomal Recessive (RDEB); epidermolysis bullosa dystrophica, autosomal recessive; Recessive DEB (RDEB). Identifiers: Orphanet 79408, Orphanet 79409, MedGen C0079474, MONDO:0009179, OMIM 226600.
Transient bullous dermolysis of the newborn (TBDN). Also called: DYSTROPHIC EPIDERMOLYSIS BULLOSA, NEONATAL; EPIDERMOLYSIS BULLOSA DYSTROPHICA, NEONATAL FORM. Identifiers: Orphanet 79411, MedGen C1851573, MONDO:0007548, OMIM 131705.

Allele frequency attached by ClinVar (database versions not stated): TOPMed 0.00002.

Submissions (3):

Myriad Genetics, Inc.
Classification: Pathogenic for Recessive dystrophic epidermolysis bullosa. Last evaluated: 2025-01-03. Review status: criteria provided, single submitter. Criteria: Myriad Autosomal Dominant, Autosomal Recessive and X-Linked Classification Criteria (2023). Collection method: clinical testing. Allele origin: unknown.
Comment: NM_000094.3(COL7A1):c.2722C>T(Q908*) is expected to be pathogenic in the context of dystrophic epidermolysis bullosa. This variant is predicted to lead to an abnormal or absent protein product due to the creation of a premature termination codon in COL7A1, a gene where loss-of-function variants are known to be pathogenic. Please note: this variant was assessed in the context of healthy population screening.

Mendelics
Classification: Pathogenic for Transient bullous dermolysis of the newborn. Last evaluated: 2022-05-04. Review status: criteria provided, single submitter. Criteria: Mendelics Assertion Criteria 2019. Collection method: clinical testing. Allele origin: germline.

Labcorp Genetics (formerly Invitae), Labcorp
Classification: Pathogenic. Last evaluated: 2021-12-18. Review status: criteria provided, single submitter. Criteria: Invitae Variant Classification Sherloc (09022015). Collection method: clinical testing. Allele origin: germline.
Comment: For these reasons, this variant has been classified as Pathogenic. ClinVar contains an entry for this variant (Variation ID: 1073553). This premature translational stop signal has been observed in individual(s) with autosomal recessive epidermolysis bullosa dystrophica (PMID: 32484238). This variant is not present in population databases (gnomAD no frequency). This sequence change creates a premature translational stop signal (p.Gln908*) in the COL7A1 gene. It is expected to result in an absent or disrupted protein product. Loss-of-function variants in COL7A1 are known to be pathogenic (PMID: 16971478).

Literature cited by the submitters: PubMed 32484238 (cited by Labcorp Genetics (formerly Invitae), Labcorp); PubMed 16971478 (cited by Labcorp Genetics (formerly Invitae), Labcorp).

NM_000094.4(COL7A1):c.2722C>T (p.Gln908Ter)

Gene: COL7A1 (collagen type VII alpha 1 chain; minus strand). Cytogenetic location: 3p21.31.
Variant type: single nucleotide variant.
Coding change: c.2722C>T on transcript NM_000094.4 (MANE Select); coding-DNA position 2722, C replaced by T.
Protein change: p.Gln908Ter; replaces glutamine 908 with a stop codon.
Molecular consequence: nonsense.
Genome position (GRCh38, 1-based): chr3:48,587,928, G>A on the plus strand (C>T on the coding strand, the complement: COL7A1 is on the minus strand). VCF-style: chr3-48587928-G-A. GRCh37 (hg19) VCF-style: chr3-48625361-G-A.
Other names: short protein forms Q908*.
Identifiers: ClinVar variation 1073553 (VCV001073553.7), dbSNP rs2045393987, ClinGen allele CA352716649.